The following is an entry in ClinVar:

NM_001197104.2(KMT2A):c.2362G>T (p.Ala788Ser)

Gene: KMT2A (lysine methyltransferase 2A; plus strand). Cytogenetic location: 11q23.3.
Variant type: single nucleotide variant.
Coding change: c.2362G>T on transcript NM_001197104.2 (MANE Select); coding-DNA position 2362, G replaced by T.
Protein change: p.Ala788Ser; replaces alanine 788 with serine.
Molecular consequence: missense variant.
Genome position (GRCh38, 1-based): chr11:118,473,521, G>T. VCF-style: chr11-118473521-G-T. GRCh37 (hg19) VCF-style: chr11-118344236-G-T.
Other names: c.2461G>T, p.Ala821Ser (NM_001412597.1); c.2362G>T, p.Ala788Ser (NM_005933.4); short protein forms A788S, A821S.
Identifiers: ClinVar variation 4800521 (VCV004800521.1).
Genomic context (GRCh38, chr11:118,473,521, plus strand): 5'-TCACCTCTCACCCCCCCGTCTTCTGTCTCTTCCTCGTTAAGCATTTCTGTTAGTCCTCTT[G>T]CCACTAGTGCCTTAAACCCAACTTTTACTTTTCCTTCTCATTCCCTGACTCAGTCTGGGG-3'
Protein context (NP_001184033.1, residues 778-798): SSLSISVSPL[Ala788Ser]TSALNPTFTF

ClinVar aggregate classification (germline): Uncertain significance (1 of 4 stars; one submission).

Submission:

Labcorp Genetics (formerly Invitae), Labcorp
Classification: Uncertain significance. Last evaluated: 2026-01-10. Review status: criteria provided, single submitter. Criteria: Invitae Variant Classification Sherloc (09022015). Collection method: clinical testing. Allele origin: germline.
Comment: This sequence change replaces alanine, which is neutral and non-polar, with serine, which is neutral and polar, at codon 788 of the KMT2A protein (p.Ala788Ser). This variant is not present in population databases (gnomAD no frequency). This variant has not been reported in the literature in individuals affected with KMT2A-related conditions. Invitae Evidence Modeling of protein sequence and biophysical properties (such as structural, functional, and spatial information, amino acid conservation, physicochemical variation, residue mobility, and thermodynamic stability) has been performed for this missense variant. However, the output from this modeling did not meet the statistical confidence thresholds required to predict the impact of this variant on KMT2A protein function. In summary, the available evidence is currently insufficient to determine the role of this variant in disease. Therefore, it has been classified as a Variant of Uncertain Significance.